The following is an entry in ClinVar:

NM_001349884.2(DRAM2):c.678C>A (p.Tyr226Ter)

Gene: DRAM2 (DNA damage regulated autophagy modulator 2; minus strand). Cytogenetic location: 1p13.3.
Variant type: single nucleotide variant.
Coding change: c.678C>A on transcript NM_001349884.2 (MANE Select); coding-DNA position 678, C replaced by A.
Protein change: p.Tyr226Ter; replaces tyrosine 226 with a stop codon.
Molecular consequence: nonsense. On other transcripts: non-coding transcript variant (8).
Genome position (GRCh38, 1-based): chr1:111,118,820, G>T on the plus strand (C>A on the coding strand, the complement: DRAM2 is on the minus strand). VCF-style: chr1-111118820-G-T. GRCh37 (hg19) VCF-style: chr1-111661442-G-T.
Other names: c.678C>A, p.Tyr226Ter (NM_001349881.2, NM_001349882.2, NM_001349885.2 and 1 more transcripts); c.408C>A, p.Tyr136Ter (NM_001349886.2, NM_001349887.2, NM_001349888.2); c.288C>A, p.Tyr96Ter (NM_001349889.2, NM_001349890.2, NM_001349891.2 and 2 more transcripts); short protein forms Y136*, Y96*, Y226*.
Identifiers: ClinVar variation 1396222 (VCV001396222.6), dbSNP rs376487338, ClinGen allele CA1001766.

ClinVar aggregate classification (germline): Pathogenic (1 of 4 stars; one submission).

Allele frequency attached by ClinVar (database versions not stated): gnomAD exomes below 0.00001; ExAC 0.00001; ESP Exome Variant Server 0.00008.
gnomAD v4.1: 1 of 1,607,316 alleles (0.000062%); highest among the groups gnomAD compares: Non-Finnish European, 0.000085%; no homozygotes.

Submission:

Labcorp Genetics (formerly Invitae), Labcorp
Classification: Pathogenic. Last evaluated: 2024-11-11. Review status: criteria provided, single submitter. Criteria: Invitae Variant Classification Sherloc (09022015). Collection method: clinical testing. Allele origin: germline.
Comment: This sequence change creates a premature translational stop signal (p.Tyr226*) in the DRAM2 gene. While this is not anticipated to result in nonsense mediated decay, it is expected to disrupt the last 41 amino acid(s) of the DRAM2 protein. The frequency data for this variant in the population databases is considered unreliable, as metrics indicate poor data quality at this position in the gnomAD database. This variant has not been reported in the literature in individuals affected with DRAM2-related conditions. ClinVar contains an entry for this variant (Variation ID: 1396222). Experimental studies and prediction algorithms are not available or were not evaluated, and the functional significance of this variant is currently unknown. This variant disrupts a region of the DRAM2 protein in which other variant(s) (p.Leu246Pro) have been determined to be pathogenic (PMID: 35806404; internal data). This suggests that this is a clinically significant region of the protein, and that variants that disrupt it are likely to be disease-causing. For these reasons, this variant has been classified as Pathogenic.

Literature cited by the submitters: PubMed 35806404.